The following is an entry in ClinVar:

NM_017534.6(MYH2):c.541T>C (p.Ser181Pro)

Genes: MYHAS (myosin heavy chain gene cluster antisense RNA; plus strand), MYH2 (myosin heavy chain 2; minus strand), LOC126862501 (CDK7 strongly-dependent group 2 enhancer GRCh37_chr17:10446256-10447455; plus strand). Cytogenetic location: 17p13.1.
Variant type: single nucleotide variant.
Coding change: c.541T>C on transcript NM_017534.6 (MANE Select); coding-DNA position 541, T replaced by C.
Protein change: p.Ser181Pro; replaces serine 181 with proline.
Molecular consequence: missense variant.
Genome position (GRCh38, 1-based): chr17:10,544,009, A>G on the plus strand (T>C on the coding strand, the complement: MYH2 is on the minus strand). VCF-style: chr17-10544009-A-G. GRCh37 (hg19) VCF-style: chr17-10447326-A-G.
Other names: c.541T>C, p.Ser181Pro (NM_001100112.2); short protein forms S181P.
Identifiers: ClinVar variation 964058 (VCV000964058.7), dbSNP rs2073593497, ClinGen allele CA398170117.

ClinVar aggregate classification (germline): Uncertain significance (1 of 4 stars; one submission).

Conditions:
Myopathy, proximal, and ophthalmoplegia (CMYO6). Also called: INCLUSION BODY MYOPATHY 3, AUTOSOMAL DOMINANT; CONGENITAL MYOPATHY 6 WITH OPHTHALMOPLEGIA; MYOPATHY WITH CONGENITAL JOINT CONTRACTURES, OPHTHALMOPLEGIA, AND RIMMED VACUOLES. Identifiers: Orphanet 363677, Orphanet 79091, MedGen C1854106, MONDO:0011577, OMIM 605637.

Submission:

Labcorp Genetics (formerly Invitae), Labcorp
Classification: Uncertain significance for Myopathy, proximal, and ophthalmoplegia. Last evaluated: 2022-05-24. Review status: criteria provided, single submitter. Criteria: Invitae Variant Classification Sherloc (09022015). Collection method: clinical testing. Allele origin: germline.
Comment: This sequence change replaces serine, which is neutral and polar, with proline, which is neutral and non-polar, at codon 181 of the MYH2 protein (p.Ser181Pro). This variant is not present in population databases (gnomAD no frequency). This missense change has been observed in individual(s) with clinical features of MYH2-related conditions (Invitae). ClinVar contains an entry for this variant (Variation ID: 964058). Algorithms developed to predict the effect of missense changes on protein structure and function (SIFT, PolyPhen-2, Align-GVGD) all suggest that this variant is likely to be disruptive. Algorithms developed to predict the effect of sequence changes on RNA splicing suggest that this variant may disrupt the consensus splice site. In summary, the available evidence is currently insufficient to determine the role of this variant in disease. Therefore, it has been classified as a Variant of Uncertain Significance.